The following is an entry in ClinVar:

ClinVar aggregate classification (germline): Uncertain significance (1 of 4 stars; one submission).

Conditions:
Melanoma, cutaneous malignant, susceptibility to, 5. Also called: Cutaneous malignant melanoma 5. Identifiers: Orphanet 618, MedGen C2751295, MONDO:0013133, OMIM 613099.

Allele frequency attached by ClinVar (database versions not stated): TOPMed below 0.00001.

Submission:

Labcorp Genetics (formerly Invitae), Labcorp
Classification: Uncertain significance for Melanoma, cutaneous malignant, susceptibility to, 5. Last evaluated: 2018-01-27. Review status: criteria provided, single submitter. Criteria: Invitae Variant Classification Sherloc (09022015). Collection method: clinical testing. Allele origin: germline.
Comment: Algorithms developed to predict the effect of missense changes on protein structure and function do not agree on the potential impact of this missense change (SIFT: "Deleterious"; PolyPhen-2: "Probably Damaging"; Align-GVGD: "Class C25"). In summary, the available evidence is currently insufficient to determine the role of this variant in disease. Therefore, it has been classified as a Variant of Uncertain Significance. This variant has not been reported in the literature in individuals with MC1R-related disease. This variant is not present in population databases (ExAC no frequency). This sequence change replaces proline with alanine at codon 295 of the MC1R protein (p.Pro295Ala). The proline residue is highly conserved and there is a small physicochemical difference between proline and alanine.

NM_002386.4(MC1R):c.883C>G (p.Pro295Ala)

Gene: MC1R (melanocortin 1 receptor; plus strand). Cytogenetic location: 16q24.3.
Variant type: single nucleotide variant.
Coding change: c.883C>G on transcript NM_002386.4 (MANE Select); coding-DNA position 883, C replaced by G.
Protein change: p.Pro295Ala; replaces proline 295 with alanine.
Molecular consequence: missense variant.
Genome position (GRCh38, 1-based): chr16:89,920,141, C>G. VCF-style: chr16-89920141-C-G. GRCh37 (hg19) VCF-style: chr16-89986549-C-G.
Other names: short protein forms P295A.
Identifiers: ClinVar variation 580601 (VCV000580601.8), dbSNP rs1037285800, ClinGen allele CA397463697.
Genomic context (GRCh38, chr16:89,920,141, plus strand): 5'-TGCATCTTCAAGAACTTCAACCTCTTTCTCGCCCTCATCATCTGCAATGCCATCATCGAC[C>G]CCCTCATCTACGCCTTCCACAGCCAGGAGCTCCGCAGGACGCTCAAGGAGGTGCTGACAT-3'
Protein context (NP_002377.4, residues 285-305): ALIICNAIID[Pro295Ala]LIYAFHSQEL